The following is an entry in ClinVar:

NM_000051.4(ATM):c.4109+8C>T

Gene: ATM (ATM serine/threonine kinase; plus strand). Cytogenetic location: 11q22.3.
Variant type: single nucleotide variant.
Coding change: c.4109+8C>T on transcript NM_000051.4 (MANE Select); 8 bases into the intron after coding-DNA position 4109, C replaced by T.
Molecular consequence: intron variant.
Genome position (GRCh38, 1-based): chr11:108,287,723, C>T. VCF-style: chr11-108287723-C-T. GRCh37 (hg19) VCF-style: chr11-108158450-C-T.
Other names: c.4109+8C>T (NM_001351834.2).
Identifiers: ClinVar variation 756964 (VCV000756964.9), dbSNP rs1591656404, ClinGen allele CA915944411.

ClinVar aggregate classification (germline): Likely benign. Review status: criteria provided, multiple submitters, no conflicts (2 of 4 stars). 3 submissions from 3 submitters: Likely benign (3). Last evaluated 2025-01-12.

Conditions:
Familial cancer of breast. Also called: Hereditary breast cancer; BREAST CANCER, FAMILIAL; hereditary breast carcinoma. Identifiers: Orphanet 227535, MedGen C0346153, MONDO:0016419, OMIM 114480. Disease mechanism: loss of function.
Ataxia-telangiectasia syndrome (AT). Also called: Ataxia telangiectasia (A-T); Cerebello-oculocutaneous telangiectasia; Immunodeficiency with ataxia telangiectasia; LOUIS-BAR SYNDROME; ATAXIA-TELANGIECTASIA, FRESNO VARIANT; Ataxia-telangiectasia, complementation group D. Identifiers: Orphanet 100, MedGen C0004135, MONDO:0008840, OMIM 208900.

Allele frequency attached by ClinVar (database versions not stated): gnomAD exomes below 0.00001.
gnomAD v4.1: 1 of 1,593,244 alleles (0.000063%); highest among the groups gnomAD compares: Non-Finnish European, 0.000086%; no homozygotes.

Submissions (3):

Labcorp Genetics (formerly Invitae), Labcorp
Classification: Likely benign for Ataxia-telangiectasia syndrome. Last evaluated: 2025-01-12. Review status: criteria provided, single submitter. Criteria: Invitae Variant Classification Sherloc (09022015). Collection method: clinical testing. Allele origin: germline.

Myriad Genetics, Inc.
Classification: Likely benign for Familial cancer of breast. Last evaluated: 2024-05-16. Review status: criteria provided, single submitter. Criteria: Myriad Autosomal Dominant, Autosomal Recessive and X-Linked Classification Criteria (2023). Collection method: clinical testing. Allele origin: unknown.
Comment: This variant is considered likely benign. This variant is intronic and is not expected to impact mRNA splicing.

Mendelics
Classification: Likely benign for Ataxia-telangiectasia syndrome. Last evaluated: 2019-05-28. Review status: criteria provided, single submitter. Criteria: Mendelics Assertion Criteria 2017. Collection method: clinical testing. Allele origin: unknown.